The following is an entry in ClinVar:

NM_173500.4(TTBK2):c.1929T>C (p.Ala643=)

Gene: TTBK2 (tau tubulin kinase 2; minus strand). Cytogenetic location: 15q15.2.
Variant type: single nucleotide variant.
Coding change: c.1929T>C on transcript NM_173500.4 (MANE Select); coding-DNA position 1929, T replaced by C.
Protein change: p.Ala643=; no amino-acid change (alanine 643 retained).
Molecular consequence: synonymous variant.
Genome position (GRCh38, 1-based): chr15:42,775,204, A>G on the plus strand (T>C on the coding strand, the complement: TTBK2 is on the minus strand). VCF-style: chr15-42775204-A-G. GRCh37 (hg19) VCF-style: chr15-43067402-A-G.
Identifiers: ClinVar variation 448752 (VCV000448752.33), dbSNP rs376543555, ClinGen allele CA7516821.
Genomic context (GRCh38, chr15:42,775,204, plus strand): 5'-GGGTCCTTCTGCCTGCGCCTCCATTAGACTTGTGGGCGTCGCTGCAATAAACTGACTAGC[A>G]GCTCCAGGCTGGAGTTCCAGCCTATCTGTATATTGTTCTGAAGCAGCAGTAGGAGGACCC-3'
Protein context (NP_775771.3, residues 633-653): YTDRLELQPG[Ala643=]ASQFIAATPT

ClinVar aggregate classification (germline): Benign/Likely benign. Review status: criteria provided, multiple submitters, no conflicts (2 of 4 stars). 4 submissions from 4 submitters: Benign (2); Likely benign (2). Last evaluated 2025-12-10.

Allele frequency attached by ClinVar (database versions not stated): gnomAD exomes 0.00006 and 0.00012; ExAC 0.00017; ESP Exome Variant Server 0.00050; 1000 Genomes Project 0.00060; 1000 Genomes Project 30x 0.00062; gnomAD 0.00062 and 0.00066; TOPMed 0.00077.
gnomAD v4.1: 187 of 1,614,212 alleles (0.012%); highest among the groups gnomAD compares: African/African-American, 0.22%; no homozygotes.

Submissions (4):

Labcorp Genetics (formerly Invitae), Labcorp
Classification: Benign. Last evaluated: 2025-12-10. Review status: criteria provided, single submitter. Criteria: Invitae Variant Classification Sherloc (09022015). Collection method: clinical testing. Allele origin: germline.

Blueprint Genetics
Classification: Likely benign. Last evaluated: 2024-11-13. Review status: criteria provided, single submitter. Criteria: ACMG Guidelines, 2015. Collection method: clinical testing. Allele origin: germline.

CeGaT Center for Human Genetics Tuebingen
Classification: Likely benign. Last evaluated: 2023-10-01. Review status: criteria provided, single submitter. Criteria: CeGaT Center For Human Genetics Tuebingen Variant Classification Criteria Version 2. Collection method: clinical testing. Allele origin: germline. Affected: yes. Observed: 1 variant allele.
Comment: TTBK2: BP4

Athena Diagnostics
Classification: Benign. Last evaluated: 2016-12-14. Review status: criteria provided, single submitter. Criteria: Athena Diagnostics Criteria. Collection method: clinical testing. Allele origin: germline.